The following is an entry in ClinVar:

ClinVar aggregate classification (germline): Likely pathogenic (1 of 4 stars; one submission).

Conditions:
Wilson disease (WND). Also called: Wilson's disease. Identifiers: Orphanet 905, MedGen C0019202, MONDO:0010200, OMIM 277900. Disease mechanism: loss of function.

Submission:

Dr. Moinak Lab, Sanjay Gandhi Postgraduate Institute of Medical Sciences
Classification: Likely pathogenic for Wilson disease. Last evaluated: 2025-06-09. Review status: criteria provided, single submitter. Criteria: ACMG Guidelines, 2015. Collection method: clinical testing. Allele origin: germline. Inheritance: Autosomal recessive inheritance. Affected: yes. Observed: 1 compound heterozygote.
Comment: ATP7B: c.3962T>A is a novel variant involving a single nucleotide substitution from T to A in exon 19. This results in a non-synonymous change at codon 691, replacing the amino acid Isoleucine with Lysine (p.Ile1321Lys)

NM_000053.4(ATP7B):c.3962T>A (p.Ile1321Lys)

Gene: ATP7B (ATPase copper transporting beta; minus strand). Cytogenetic location: 13q14.3.
Variant type: single nucleotide variant.
Coding change: c.3962T>A on transcript NM_000053.4 (MANE Select); coding-DNA position 3962, T replaced by A.
Protein change: p.Ile1321Lys; replaces isoleucine 1321 with lysine.
Molecular consequence: missense variant.
Genome position (GRCh38, 1-based): chr13:51,937,335, A>T on the plus strand (T>A on the coding strand, the complement: ATP7B is on the minus strand). VCF-style: chr13-51937335-A-T. GRCh37 (hg19) VCF-style: chr13-52511471-A-T.
Other names: c.3341T>A, p.Ile1114Lys (NM_001005918.3); c.3629T>A, p.Ile1210Lys (NM_001243182.2); c.3728T>A, p.Ile1243Lys (NM_001330578.2, NM_001406527.1, NM_001406528.1); c.3710T>A, p.Ile1237Lys (NM_001330579.2, NM_001406531.1, NM_001406532.1); c.3962T>A, p.Ile1321Lys (NM_001406511.1, NM_001406512.1); c.3956T>A, p.Ile1319Lys (NM_001406513.1); c.3929T>A, p.Ile1310Lys (NM_001406514.1); c.3908T>A, p.Ile1303Lys (NM_001406515.1, NM_001406516.1); and 21 more; short protein forms I1040K, I1094K, I1105K, I1114K, I1127K, I1157K, I1159K, I1172K.
Identifiers: ClinVar variation 4087727 (VCV004087727.1).